The following is an entry in ClinVar:

NM_030777.4(SLC2A10):c.1420G>A (p.Gly474Ser)

Gene: SLC2A10 (solute carrier family 2 member 10; plus strand). Cytogenetic location: 20q13.12.
Variant type: single nucleotide variant.
Coding change: c.1420G>A on transcript NM_030777.4 (MANE Select); coding-DNA position 1420, G replaced by A.
Protein change: p.Gly474Ser; replaces glycine 474 with serine.
Molecular consequence: missense variant.
Genome position (GRCh38, 1-based): chr20:46,729,361, G>A. VCF-style: chr20-46729361-G-A. GRCh37 (hg19) VCF-style: chr20-45358000-G-A.
Other names: short protein forms G474S.
Identifiers: ClinVar variation 1772254 (VCV001772254.2), dbSNP rs756530921, ClinGen allele CA9892209.

ClinVar aggregate classification (germline): Uncertain significance (1 of 4 stars; one submission).

Conditions:
Familial thoracic aortic aneurysm and aortic dissection (TAAD). Also called: Thoracic aortic aneurysms and dissections. Identifiers: Orphanet 91387, MedGen C4707243, MONDO:0019625.

Allele frequency attached by ClinVar (database versions not stated): ExAC 0.00001; TOPMed 0.00003; gnomAD 0.00005.
gnomAD v4.1: 19 of 1,613,560 alleles (0.0012%); highest among the groups gnomAD compares: African/African-American, 0.0027%; no homozygotes.

Submission:

Ambry Genetics
Classification: Uncertain significance for Familial thoracic aortic aneurysm and aortic dissection. Last evaluated: 2023-12-12. Review status: criteria provided, single submitter. Criteria: Ambry Variant Classification Scheme 2023. Collection method: clinical testing. Allele origin: germline.
Comment: The p.G474S variant (also known as c.1420G>A), located in coding exon 4 of the SLC2A10 gene, results from a G to A substitution at nucleotide position 1420. The glycine at codon 474 is replaced by serine, an amino acid with similar properties. This amino acid position is conserved. In addition, this alteration is predicted to be deleterious by in silico analysis. Since supporting evidence is limited at this time, the clinical significance of this alteration remains unclear.